The following is an entry in ClinVar:

NM_015557.3(CHD5):c.1411C>T (p.Arg471Trp)

Gene: CHD5 (chromodomain helicase DNA binding protein 5; minus strand). Cytogenetic location: 1p36.31.
Variant type: single nucleotide variant.
Coding change: c.1411C>T on transcript NM_015557.3 (MANE Select); coding-DNA position 1411, C replaced by T.
Protein change: p.Arg471Trp; replaces arginine 471 with tryptophan.
Molecular consequence: missense variant.
Genome position (GRCh38, 1-based): chr1:6,146,844, G>A on the plus strand (C>T on the coding strand, the complement: CHD5 is on the minus strand). VCF-style: chr1-6146844-G-A. GRCh37 (hg19) VCF-style: chr1-6206904-G-A.
Other names: short protein forms R471W.
Identifiers: ClinVar variation 2577116 (VCV002577116.1), dbSNP rs750119008, ClinGen allele CA557062.

ClinVar aggregate classification (germline): Uncertain significance (1 of 4 stars; one submission).

Allele frequency attached by ClinVar (database versions not stated): ExAC 0.00003.
gnomAD v4.1: 5 of 1,531,928 alleles (0.00033%); highest among the groups gnomAD compares: East Asian, 0.0046%; no homozygotes.

Submission:

Women's Health and Genetics/Laboratory Corporation of America, LabCorp
Classification: Uncertain significance. Last evaluated: 2023-07-25. Review status: criteria provided, single submitter. Criteria: LabCorp Variant Classification Summary - May 2015. Collection method: clinical testing. Allele origin: germline.
Comment: Variant summary: CHD5 c.1411C>T (p.Arg471Trp) results in a non-conservative amino acid change located in the chromo/chromo shadow domain (IPR000953) of the encoded protein sequence. Four of five in-silico tools predict a damaging effect of the variant on protein function. The variant allele was found at a frequency of 6.2e-06 in 160906 control chromosomes (i.e., 1 heterozygote), however this allele frequency data may be unreliable (gnomAD). The available data on variant occurrences in the general population are therefore insufficient to allow any conclusion about variant significance. To our knowledge, no occurrence of c.1411C>T in individuals affected with Parenti-Mignot Neurodevelopmental Syndrome and no experimental evidence demonstrating its impact on protein function have been reported. No submitters have reported clinical-significance assessments for this variant to ClinVar after 2014. Based on the evidence outlined above, the variant was classified as uncertain significance.